The following is an entry in ClinVar:

NM_182961.4(SYNE1):c.8163C>T (p.Ser2721=)

Gene: SYNE1 (spectrin repeat containing nuclear envelope protein 1; minus strand). Cytogenetic location: 6q25.2.
Variant type: single nucleotide variant.
Coding change: c.8163C>T on transcript NM_182961.4 (MANE Select); coding-DNA position 8163, C replaced by T.
Protein change: p.Ser2721=; no amino-acid change (serine 2721 retained).
Molecular consequence: synonymous variant.
Genome position (GRCh38, 1-based): chr6:152,390,294, G>A on the plus strand (C>T on the coding strand, the complement: SYNE1 is on the minus strand). VCF-style: chr6-152390294-G-A. GRCh37 (hg19) VCF-style: chr6-152711429-G-A.
Other names: p.Ser2728=; c.8184C>T, p.Ser2728= (NM_033071.5).
Identifiers: ClinVar variation 130449 (VCV000130449.21), dbSNP rs58905396, ClinGen allele CA155486.

ClinVar aggregate classification (germline): Benign. Review status: criteria provided, multiple submitters, no conflicts (2 of 4 stars). 8 submissions from 7 submitters: Benign (7). 1 of the submissions does not count toward it. Last evaluated 2026-02-01.

Conditions:
Emery-Dreifuss muscular dystrophy 4, autosomal dominant (EDMD4). Also called: EMERY-DREIFUSS MUSCULAR DYSTROPHY 4 WITH VARIABLE FEATURES. Identifiers: Orphanet 261, MedGen C2751807, MONDO:0013071, OMIM 612998.
Autosomal recessive ataxia, Beauce type. Also called: SYNE1-Related Autosomal Recessive Cerebellar Ataxia; ATAXIA, RECESSIVE, OF BEAUCE; Spinocerebellar ataxia, autosomal recessive 8; SYNE1 Deficiency. Identifiers: Orphanet 88644, MedGen C1853116, MONDO:0012549, OMIM 610743.

Allele frequency attached by ClinVar (database versions not stated): gnomAD exomes 0.01349; gnomAD 0.05183 and 0.05078; ExAC 0.01647; ESP Exome Variant Server 0.05644; 1000 Genomes Project 30x 0.05996; 1000 Genomes Project 0.05711; TOPMed 0.05964.
gnomAD v4.1: 15,708 of 1,613,880 alleles (0.97%); highest among the groups gnomAD compares: African/African-American, 18%; 1,265 homozygotes.

Submissions (8):

Labcorp Genetics (formerly Invitae), Labcorp
Classification: Benign for Emery-Dreifuss muscular dystrophy 4, autosomal dominant; Autosomal recessive ataxia, Beauce type. Last evaluated: 2026-02-01. Review status: criteria provided, single submitter. Criteria: Invitae Variant Classification Sherloc (09022015). Collection method: clinical testing. Allele origin: germline.

Athena Diagnostics
Classification: Benign. Last evaluated: 2019-02-22. Review status: criteria provided, single submitter. Criteria: Athena Diagnostics Criteria. Collection method: clinical testing. Allele origin: germline.

Mayo Clinic Laboratories, Mayo Clinic
Classification: Benign. Last evaluated: 2018-04-11. Review status: criteria provided, single submitter. Criteria: ACMG Guidelines, 2015. Collection method: clinical testing. Allele origin: germline. Observed: 39 variant alleles.

Illumina Laboratory Services, Illumina
Classification: Benign for Emery-Dreifuss muscular dystrophy 4, autosomal dominant. Last evaluated: 2018-01-13. Review status: criteria provided, single submitter. Criteria: ICSL Variant Classification Criteria 13 December 2019. Collection method: clinical testing. Allele origin: germline.
Comment: This variant was observed in the ICSL laboratory as part of a predisposition screen in an ostensibly healthy population. It had not been previously curated by ICSL or reported in the Human Gene Mutation Database (HGMD: prior to June 1st, 2018), and was therefore a candidate for classification through an automated scoring system. Utilizing variant allele frequency, disease prevalence and penetrance estimates, and inheritance mode, an automated score was calculated to assess if this variant is too frequent to cause the disease. Based on the score and internal cut-off values, a variant classified as benign is not then subjected to further curation. The score for this variant resulted in a classification of benign for this disease.

Illumina Laboratory Services, Illumina
Classification: Benign for Autosomal recessive ataxia, Beauce type. Last evaluated: 2018-01-13. Review status: criteria provided, single submitter. Criteria: ICSL Variant Classification Criteria 13 December 2019. Collection method: clinical testing. Allele origin: germline.
Comment: the same text as in the submission from Illumina Laboratory Services, Illumina above.

GeneDx
Classification: Benign. Last evaluated: 2016-03-21. Review status: criteria provided, single submitter. Criteria: GeneDx Variant Classification (06012015). Collection method: clinical testing. Allele origin: germline. Affected: yes.
Comment: This variant is considered likely benign or benign based on one or more of the following criteria: it is a conservative change, it occurs at a poorly conserved position in the protein, it is predicted to be benign by multiple in silico algorithms, and/or has population frequency not consistent with disease.

PreventionGenetics, part of Exact Sciences
Classification: Benign. Review status: criteria provided, single submitter. Criteria: ACMG Guidelines, 2015. Collection method: clinical testing. Allele origin: germline.

Genetic Services Laboratory, University of Chicago
Classification: Likely benign for AllHighlyPenetrant. Review status: no assertion criteria provided. Collection method: clinical testing. Allele origin: germline. Inheritance: Autosomal dominant inheritance. Not counted in ClinVar's aggregate classification.
Comment: Likely benign based on allele frequency in 1000 Genomes Project or ESP global frequency and its presence in a patient with a rare or unrelated disease phenotype. NOT Sanger confirmed.